The following is an entry in ClinVar:

ClinVar aggregate classification (germline): Uncertain significance (1 of 4 stars; one submission).

Conditions:
Inborn genetic diseases. Identifiers: MedGen C0950123, MeSH D030342.

gnomAD v4.1: 2 of 1,590,804 alleles (0.00013%); highest among the groups gnomAD compares: African/African-American, 0.0014%; no homozygotes.

Submission:

Ambry Genetics
Classification: Uncertain significance for Inborn genetic diseases. Last evaluated: 2026-05-23. Review status: criteria provided, single submitter. Criteria: Ambry Variant Classification Scheme 2023. Collection method: clinical testing. Allele origin: germline.
Comment: The c.356C>G (p.S119C) alteration is located in exon 3 (coding exon 3) of the SUZ12 gene. This alteration results from a C to G substitution at nucleotide position 356, causing the serine (S) at amino acid position 119 to be replaced by a cysteine (C). Based on data from gnomAD, the G allele has an overall frequency of 0.003% (1/30992) total alleles studied. The highest observed frequency was 0.012% (1/8644) of African alleles. Based on insufficient or conflicting evidence, the clinical significance of this alteration remains unclear.

NM_015355.4(SUZ12):c.356C>G (p.Ser119Cys)

Gene: SUZ12 (SUZ12 polycomb repressive complex 2 subunit; plus strand). Cytogenetic location: 17q11.2.
Variant type: single nucleotide variant.
Coding change: c.356C>G on transcript NM_015355.4 (MANE Select); coding-DNA position 356, C replaced by G.
Protein change: p.Ser119Cys; replaces serine 119 with cysteine.
Molecular consequence: missense variant.
Genome position (GRCh38, 1-based): chr17:31,940,456, C>G. VCF-style: chr17-31940456-C-G. GRCh37 (hg19) VCF-style: chr17-30267475-C-G.
Other names: c.356C>G, p.Ser119Cys (NM_001321207.2); short protein forms S119C.
Identifiers: ClinVar variation 4865257 (VCV004865257.1).